The following is an entry in ClinVar:

NM_000297.4(PKD2):c.9C>T (p.Asn3=)

Genes: PKD2 (polycystin 2, transient receptor potential cation channel; plus strand), LOC129992813 (ATAC-STARR-seq lymphoblastoid silent region 15559; plus strand). Cytogenetic location: 4q22.1.
Variant type: single nucleotide variant.
Coding change: c.9C>T on transcript NM_000297.4 (MANE Select); coding-DNA position 9, C replaced by T.
Protein change: p.Asn3=; no amino-acid change (asparagine 3 retained).
Molecular consequence: synonymous variant. On other transcripts: non-coding transcript variant (1).
Genome position (GRCh38, 1-based): chr4:88,007,742, C>T. VCF-style: chr4-88007742-C-T. GRCh37 (hg19) VCF-style: chr4-88928894-C-T.
Identifiers: ClinVar variation 903899 (VCV000903899.14), dbSNP rs773343245, ClinGen allele CA3003708.

ClinVar aggregate classification (germline): Conflicting classifications of pathogenicity. Review status: criteria provided, conflicting classifications (1 of 4 stars). 4 submissions from 4 submitters: Uncertain significance (1); Likely benign (1). 2 of the submissions do not count toward it. Last evaluated 2026-01-17.

Conditions:
Autosomal dominant polycystic kidney disease. Identifiers: Orphanet 730, MedGen C0085413, MONDO:0004691.
Polycystic kidney disease 2 (PKD2). Also called: Polycystic Kidney Disease 2, Autosomal Dominant; POLYCYSTIC KIDNEY DISEASE, ADULT, TYPE II; POLYCYSTIC KIDNEY DISEASE 2 WITH OR WITHOUT POLYCYSTIC LIVER DISEASE. Identifiers: MedGen C2751306, MONDO:0013131, OMIM 613095.
PKD2-related disorder. Also called: PKD2-related condition.

Allele frequency attached by ClinVar (database versions not stated): TOPMed 0.00010; gnomAD exomes 0.00011 and 0.00021; gnomAD 0.00012; ExAC 0.00045.
gnomAD v4.1: 144 of 1,207,562 alleles (0.012%); highest among the groups gnomAD compares: Middle Eastern, 0.18%; 1 homozygote.

Submissions (4):

Labcorp Genetics (formerly Invitae), Labcorp
Classification: Likely benign for Autosomal dominant polycystic kidney disease. Last evaluated: 2026-01-17. Review status: criteria provided, single submitter. Criteria: Invitae Variant Classification Sherloc (09022015). Collection method: clinical testing. Allele origin: germline.

Illumina Laboratory Services, Illumina
Classification: Uncertain significance for Polycystic kidney disease 2. Last evaluated: 2018-01-13. Review status: criteria provided, single submitter. Criteria: ICSL Variant Classification Criteria 13 December 2019. Collection method: clinical testing. Allele origin: germline.

PreventionGenetics, part of Exact Sciences
Classification: Likely benign for PKD2-related condition. Last evaluated: 2019-09-04. Review status: no assertion criteria provided. Collection method: clinical testing. Allele origin: germline. Not counted in ClinVar's aggregate classification.
Comment: This variant is classified as likely benign based on ACMG/AMP sequence variant interpretation guidelines (Richards et al. 2015 PMID: 25741868, with internal and published modifications).

Department of Pathology and Laboratory Medicine, Sinai Health System
Classification: Uncertain significance. Review status: no assertion criteria provided. Collection method: clinical testing. Allele origin: unknown. Affected: yes. Study: The Canadian Open Genetics Repository (COGR). Not counted in ClinVar's aggregate classification.
Comment: The PKD2 p.Asn3Asn variant was not identified in the literature nor was it identified in the ClinVar, LOVD 3.0, ADPKD Mutation Database or PKD1-LOVD databases. The variant was identified in dbSNP (ID: rs773343245) and in control databases in 14 of 85778 chromosomes at a frequency of 0.000163 (Genome Aggregation Database Feb 27, 2017). The variant was observed in the following populations: Other in 2 of 2566 chromosomes (freq: 0.000779), Ashkenazi Jewish in 4 of 5596 chromosomes (freq: 0.000715), European (non-Finnish) in 6 of 36322 chromosomes (freq: 0.000165) and South Asian in 2 of 14048 chromosomes (freq: 0.000142), while the variant was not observed in the African, Latino, East Asian, and European (Finnish) populations. The p.Asn3Asn variant is not expected to have clinical significance because it does not result in a change of amino acid and is not located in a known consensus splice site. Two of four in silico or computational prediction software programs (SpliceSiteFinder and MaxEntScan) predict the creation of a new 5' splice site, however this is not very predictive of pathogenecity. In summary, based on the above information the clinical significance of this variant cannot be determined with certainty at this time. This variant is classified as a variant of uncertain significance.